The following is an entry in ClinVar:

ClinVar aggregate classification (germline): Uncertain significance (1 of 4 stars; one submission).

Submission:

Women's Health and Genetics/Laboratory Corporation of America, LabCorp
Classification: Uncertain significance. Last evaluated: 2022-05-27. Review status: criteria provided, single submitter. Criteria: LabCorp Variant Classification Summary - May 2015. Collection method: clinical testing. Allele origin: germline.
Comment: Variant summary: HBB c.92+15_92+16insGGT alters a nucleotide located close to a canonical splice site and therefore could affect mRNA splicing, leading to a significantly altered protein sequence. Several computational tools predict a significant impact on normal splicing: Four predict the variant strengthens/creates a cryptic intronic 5' donor site. However, these predictions have yet to be confirmed by functional studies. The variant was absent in 251230 control chromosomes (gnomAD). The available data on variant occurrences in the general population are insufficient to allow any conclusion about variant significance. To our knowledge, no occurrence of c.92+15_92+16insGGT in individuals affected with Hemoglobinopathy and no experimental evidence demonstrating its impact on protein function have been reported. No clinical diagnostic laboratories have submitted clinical-significance assessments for this variant to ClinVar after 2014. Based on the evidence outlined above, the variant was classified as uncertain significance.

NM_000518.5(HBB):c.92+15_92+16insTGG

Genes: HBB (hemoglobin subunit beta; minus strand), LOC106099062 (HBB recombination region; plus strand), LOC107133510 (origin of replication at HBB; plus strand). Cytogenetic location: 11p15.4.
Variant type: Insertion.
Coding change: c.92+15_92+16insTGG on transcript NM_000518.5 (MANE Select); bases 15 to 16 of the intron after coding-DNA position 92, TGG inserted.
Molecular consequence: intron variant.
Genome position: GRCh38 VCF-style: chr11-5226914-T-TACC. GRCh37 (hg19) VCF-style: chr11-5248144-T-TACC.
Identifiers: ClinVar variation 1696145 (VCV001696145.1), dbSNP rs1847578475, ClinGen allele CA1949570109.
Genomic context (GRCh38, chr11:5,226,914, plus strand): 5'-CCAAGAGTCTTCTCTGTCTCCACATGCCCAGTTTCTATTGGTCTCCTTAAACCTGTCTTG[T>TACC]AACCTTGATACCAACCTGCCCAGGGCCTCACCACCAACTTCATCCACGTTCACCTTGCCC-3'